The following is an entry in ClinVar:

ClinVar aggregate classification (germline): Conflicting classifications of pathogenicity. Review status: criteria provided, conflicting classifications (1 of 4 stars). 4 submissions from 4 submitters: Uncertain significance (3); Likely benign (1). Last evaluated 2024-12-07.

Conditions:
Hereditary cancer-predisposing syndrome. Also called: Hereditary neoplastic syndrome; Tumor predisposition; Neoplastic Syndromes, Hereditary; Hereditary Cancer Syndrome. Identifiers: Orphanet 140162, MedGen C0027672, MeSH D009386, MONDO:0015356.
Hereditary breast ovarian cancer syndrome. Also called: Hereditary breast and ovarian cancer; Hereditary breast and/or ovarian cancer syndrome; Hereditary breast and ovarian cancer syndrome; Hereditary breast and ovarian cancer syndrome (HBOC); Breast and ovarian cancer; BRCA1- and BRCA2-Associated Hereditary Breast and Ovarian Cancer. Identifiers: Orphanet 145, MedGen C0677776, MeSH D061325, MONDO:0003582. Disease mechanism: loss of function.

Submissions (4):

Ambry Genetics
Classification: Uncertain significance for Hereditary cancer-predisposing syndrome. Last evaluated: 2024-12-07. Review status: criteria provided, single submitter. Criteria: Ambry Variant Classification Scheme 2023. Collection method: clinical testing. Allele origin: germline.
Comment: The p.E479K variant (also known as c.1435G>A), located in coding exon 9 of the BRCA1 gene, results from a G to A substitution at nucleotide position 1435. The glutamic acid at codon 479 is replaced by lysine, an amino acid with similar properties. This amino acid position is well conserved in available vertebrate species. In addition, this alteration is predicted to be deleterious by in silico analysis. Since supporting evidence is limited at this time, the clinical significance of this alteration remains unclear.

Labcorp Genetics (formerly Invitae), Labcorp
Classification: Uncertain significance for Hereditary breast ovarian cancer syndrome. Last evaluated: 2023-12-13. Review status: criteria provided, single submitter. Criteria: Invitae Variant Classification Sherloc (09022015). Collection method: clinical testing. Allele origin: germline.
Comment: This sequence change replaces glutamic acid, which is acidic and polar, with lysine, which is basic and polar, at codon 479 of the BRCA1 protein (p.Glu479Lys). This variant is not present in population databases (gnomAD no frequency). This variant has not been reported in the literature in individuals affected with BRCA1-related conditions. ClinVar contains an entry for this variant (Variation ID: 419779). Advanced modeling of protein sequence and biophysical properties (such as structural, functional, and spatial information, amino acid conservation, physicochemical variation, residue mobility, and thermodynamic stability) performed at Invitae indicates that this missense variant is not expected to disrupt BRCA1 protein function with a negative predictive value of 95%. In summary, the available evidence is currently insufficient to determine the role of this variant in disease. Therefore, it has been classified as a Variant of Uncertain Significance.

University of Washington Department of Laboratory Medicine, University of Washington
Classification: Likely benign for Hereditary cancer-predisposing syndrome. Last evaluated: 2023-03-23. Review status: criteria provided, single submitter. Criteria: Dines et al. (Genet Med. 2020). Collection method: curation. Allele origin: germline.
Comment: Missense variant in a coldspot region where missense variants are very unlikely to be pathogenic (PMID:31911673).

BRCA1 coldspot (exon 11 using historical exon numbering). Reclassification based on statistical prior probability

GeneDx
Classification: Uncertain significance. Last evaluated: 2015-09-04. Review status: criteria provided, single submitter. Criteria: GeneDx Variant Classification (06012015). Collection method: clinical testing. Allele origin: germline. Affected: yes.
Comment: This variant is denoted BRCA1 c.1435G>A at the cDNA level, p.Glu479Lys (E479K) at the protein level, and results in the change of a Glutamic Acid to a Lysine (GAA>AAA). Using alternate nomenclature, this variant would be defined as BRCA1 1554G>A. This variant has not, to our knowledge, been published in the literature as pathogenic or benign. BRCA1 Glu479Lys was not observed in approximately 6,500 individuals of European and African American ancestry in the NHLBI Exome Sequencing Project, indicating it is not a common benign variant in these populations. Since Glutamic Acid and Lysine differ in polarity, charge, size or other properties, this is considered a non-conservative amino acid substitution. BRCA1 Glu479Lys occurs at a position that is conserved in mammals and is located in the DNA binding domain (Paul 2014). In silico analyses are inconsistent regarding the effect this variant may have on protein structure and function. Based on currently available information, it is unclear whether BRCA1 Glu479Lys is pathogenic or benign. We consider it to be a variant of uncertain significance.

NM_007294.4(BRCA1):c.1435G>A (p.Glu479Lys)

Gene: BRCA1 (BRCA1 DNA repair associated; minus strand). Cytogenetic location: 17q21.31.
Variant type: single nucleotide variant.
Coding change: c.1435G>A on transcript NM_007294.4 (MANE Select); coding-DNA position 1435, G replaced by A.
Protein change: p.Glu479Lys; replaces glutamic acid 479 with lysine.
Molecular consequence: missense variant. On other transcripts: intron variant (137).
Genome position (GRCh38, 1-based): chr17:43,094,096, C>T on the plus strand (G>A on the coding strand, the complement: BRCA1 is on the minus strand). VCF-style: chr17-43094096-C-T. GRCh37 (hg19) VCF-style: chr17-41246113-C-T.
Other names: c.1222G>A, p.Glu408Lys (NM_001407571.1, NM_001407853.1, NM_001407894.1 and 9 more transcripts); c.1435G>A, p.Glu479Lys (NM_001407581.1, NM_001407582.1, NM_001407583.1 and 30 more transcripts); c.1432G>A, p.Glu478Lys (NM_001407587.1, NM_001407590.1, NM_001407591.1 and 22 more transcripts); c.1426G>A, p.Glu476Lys (NM_001407646.1, NM_001407647.1); c.1312G>A, p.Glu438Lys (NM_001407648.1, NM_001407664.1, NM_001407665.1 and 19 more transcripts); c.1309G>A, p.Glu437Lys (NM_001407649.1, NM_001407670.1, NM_001407671.1 and 11 more transcripts); c.1357G>A, p.Glu453Lys (NM_001407653.1, NM_001407654.1, NM_001407655.1 and 4 more transcripts); c.1354G>A, p.Glu452Lys (NM_001407659.1, NM_001407660.1, NM_001407661.1 and 1 more transcripts); and 40 more; short protein forms E479K, E432K, E311K, E368K, E390K, E412K, E452K, E351K.
Identifiers: ClinVar variation 419779 (VCV000419779.15), dbSNP rs1064794100, ClinGen allele CA10599175.